The following is an entry in ClinVar:

ClinVar aggregate classification (germline): Uncertain significance (1 of 4 stars; one submission).

gnomAD v4.1: 36 of 1,613,288 alleles (0.0022%); highest among the groups gnomAD compares: African/African-American, 0.025%; no homozygotes.

Submission:

Labcorp Genetics (formerly Invitae), Labcorp
Classification: Uncertain significance. Last evaluated: 2024-08-15. Review status: criteria provided, single submitter. Criteria: Invitae Variant Classification Sherloc (09022015). Collection method: clinical testing. Allele origin: germline.
Comment: This sequence change replaces asparagine, which is neutral and polar, with histidine, which is basic and polar, at codon 2119 of the NIN protein (p.Asn2119His). This variant is present in population databases (rs572352459, gnomAD 0.008%). This variant has not been reported in the literature in individuals affected with NIN-related conditions. An algorithm developed to predict the effect of missense changes on protein structure and function (PolyPhen-2) suggests that this variant is likely to be disruptive. In summary, the available evidence is currently insufficient to determine the role of this variant in disease. Therefore, it has been classified as a Variant of Uncertain Significance.

NM_020921.4(NIN):c.6355A>C (p.Asn2119His)

Gene: NIN (ninein; minus strand). Cytogenetic location: 14q22.1.
Variant type: single nucleotide variant.
Coding change: c.6355A>C on transcript NM_020921.4 (MANE Select); coding-DNA position 6355, A replaced by C.
Protein change: p.Asn2119His; replaces asparagine 2119 with histidine.
Molecular consequence: missense variant.
Genome position (GRCh38, 1-based): chr14:50,723,510, T>G on the plus strand (A>C on the coding strand, the complement: NIN is on the minus strand). VCF-style: chr14-50723510-T-G. GRCh37 (hg19) VCF-style: chr14-51190228-T-G.
Other names: short protein forms N2119H.
Identifiers: ClinVar variation 3715799 (VCV003715799.2).